The following is an entry in ClinVar:

ClinVar aggregate classification (germline): Uncertain significance (1 of 4 stars; one submission).

Submission:

Labcorp Genetics (formerly Invitae), Labcorp
Classification: Uncertain significance. Last evaluated: 2026-01-19. Review status: criteria provided, single submitter. Criteria: Invitae Variant Classification Sherloc (09022015). Collection method: clinical testing. Allele origin: germline.
Comment: This sequence change replaces glycine, which is neutral and non-polar, with glutamic acid, which is acidic and polar, at codon 952 of the COL11A1 protein (p.Gly952Glu). This variant is not present in population databases (gnomAD no frequency). This variant has not been reported in the literature in individuals affected with COL11A1-related conditions. ClinVar contains an entry for this variant (Variation ID: 3022563). Invitae Evidence Modeling of protein sequence and biophysical properties (such as structural, functional, and spatial information, amino acid conservation, physicochemical variation, residue mobility, and thermodynamic stability) indicates that this missense variant is expected to disrupt COL11A1 protein function with a positive predictive value of 80%. In summary, the available evidence is currently insufficient to determine the role of this variant in disease. Therefore, it has been classified as a Variant of Uncertain Significance.

NM_001854.4(COL11A1):c.2855G>A (p.Gly952Glu)

Gene: COL11A1 (collagen type XI alpha 1 chain; minus strand). Cytogenetic location: 1p21.1.
Variant type: single nucleotide variant.
Coding change: c.2855G>A on transcript NM_001854.4 (MANE Select); coding-DNA position 2855, G replaced by A.
Protein change: p.Gly952Glu; replaces glycine 952 with glutamic acid.
Molecular consequence: missense variant. On other transcripts: non-coding transcript variant (1).
Genome position (GRCh38, 1-based): chr1:102,970,226, C>T on the plus strand (G>A on the coding strand, the complement: COL11A1 is on the minus strand). VCF-style: chr1-102970226-C-T. GRCh37 (hg19) VCF-style: chr1-103435782-C-T.
Other names: c.2507G>A, p.Gly836Glu (NM_001168249.1, NM_080630.4); c.2738G>A, p.Gly913Glu (NM_001190709.2); c.2891G>A, p.Gly964Glu (NM_080629.3); short protein forms G964E, G913E, G952E, G836E.
Identifiers: ClinVar variation 3022563 (VCV003022563.3), dbSNP rs2525015232, ClinGen allele CA341160518.
Genomic context (GRCh38, chr1:102,970,226, plus strand): 5'-CTGATGAGGTGCTAGAGATGGAAATTTTTAATAAGAGTAACAAGGTCACTTACAGTCTCC[C>T]CACGTTGCCCAGGGTGTCCTGGCAGCCCATCCTTCCCAGGTGGTCCCTGAAATTACAAAT-3'
Protein context (NP_001845.3, residues 942-962): DGLPGHPGQR[Gly952Glu]ETGFQGKTGP